The following is an entry in ClinVar:

NM_000211.5(ITGB2):c.892G>A (p.Glu298Lys)

Gene: ITGB2 (integrin subunit beta 2; minus strand). Cytogenetic location: 21q22.3.
Variant type: single nucleotide variant.
Coding change: c.892G>A on transcript NM_000211.5 (MANE Select); coding-DNA position 892, G replaced by A.
Protein change: p.Glu298Lys; replaces glutamic acid 298 with lysine.
Molecular consequence: missense variant.
Genome position (GRCh38, 1-based): chr21:44,900,325, C>T on the plus strand (G>A on the coding strand, the complement: ITGB2 is on the minus strand). VCF-style: chr21-44900325-C-T. GRCh37 (hg19) VCF-style: chr21-46320240-C-T.
Other names: c.892G>A, p.Glu298Lys (NM_001127491.3); c.685G>A, p.Glu229Lys (NM_001303238.2); short protein forms E298K, E229K.
Identifiers: ClinVar variation 530678 (VCV000530678.10), dbSNP rs368371881, ClinGen allele CA10063033.
Genomic context (GRCh38, chr21:44,900,325, plus strand): 5'-CTCCGTCAGTGGTGTCCTGCCAGGCGGTGCCTGGGTGCCTGGGGTGGGGACTTACGAATT[C>T]GTTGCTCCTCTTGTACAAGTTGTCCTCCAGGTGACAGCGGCCGTCGTTGGGGGTCAGGAT-3'
Protein context (NP_000202.3, residues 288-308): LEDNLYKRSN[Glu298Lys]FDYPSVGQLA

ClinVar aggregate classification (germline): Uncertain significance. Review status: criteria provided, multiple submitters, no conflicts (2 of 4 stars). 2 submissions from 2 submitters: Uncertain significance (2). Last evaluated 2023-11-19.

Conditions:
Leukocyte adhesion deficiency 1 (LAD1). Also called: LEUKOCYTE ADHESION DEFICIENCY, TYPE I; LAD 1; Lymphocyte function-associated antigen 1 immunodeficiency; LFA 1 immunodeficiency. Identifiers: Orphanet 2968, Orphanet 99842, MedGen C0398738, MONDO:0007293, OMIM 116920.

Allele frequency attached by ClinVar (database versions not stated): gnomAD exomes 0.00008 and 0.00009; TOPMed 0.00008; gnomAD 0.00010 and 0.00011; ExAC 0.00012; ESP Exome Variant Server 0.00015.
gnomAD v4.1: 140 of 1,614,180 alleles (0.0087%); highest among the groups gnomAD compares: Non-Finnish European, 0.0094%; no homozygotes.

Submissions (2):

Labcorp Genetics (formerly Invitae), Labcorp
Classification: Uncertain significance for Leukocyte adhesion deficiency 1. Last evaluated: 2023-11-19. Review status: criteria provided, single submitter. Criteria: Invitae Variant Classification Sherloc (09022015). Collection method: clinical testing. Allele origin: germline.
Comment: This sequence change replaces glutamic acid, which is acidic and polar, with lysine, which is basic and polar, at codon 298 of the ITGB2 protein (p.Glu298Lys). This variant is present in population databases (rs368371881, gnomAD 0.02%). This missense change has been observed in individual(s) with Hirschprung's disease (PMID: 18675632). ClinVar contains an entry for this variant (Variation ID: 530678). Algorithms developed to predict the effect of missense changes on protein structure and function output the following: SIFT: "Not Available"; PolyPhen-2: "Benign"; Align-GVGD: "Not Available". The lysine amino acid residue is found in multiple mammalian species, which suggests that this missense change does not adversely affect protein function. In summary, the available evidence is currently insufficient to determine the role of this variant in disease. Therefore, it has been classified as a Variant of Uncertain Significance.

Illumina Laboratory Services, Illumina
Classification: Uncertain significance for Leukocyte adhesion deficiency 1. Last evaluated: 2018-01-13. Review status: criteria provided, single submitter. Criteria: ICSL Variant Classification Criteria 13 December 2019. Collection method: clinical testing. Allele origin: germline.

Literature cited by the submitters: PubMed 18675632 (cited by Labcorp Genetics (formerly Invitae), Labcorp).